The following is an entry in ClinVar:

NM_015261.3(NCAPD3):c.3867+5G>A

Gene: NCAPD3 (non-SMC condensin II complex subunit D3; minus strand). Cytogenetic location: 11q25.
Variant type: single nucleotide variant.
Coding change: c.3867+5G>A on transcript NM_015261.3 (MANE Select); 5 bases into the intron after coding-DNA position 3867, G replaced by A.
Molecular consequence: intron variant.
Genome position (GRCh38, 1-based): chr11:134,159,887, C>T on the plus strand (G>A on the coding strand, the complement: NCAPD3 is on the minus strand). VCF-style: chr11-134159887-C-T. GRCh37 (hg19) VCF-style: chr11-134029782-C-T.
Other names: c.3453+5G>A (NM_001372070.1, NM_001372069.1); c.3867+5G>A (NM_001372065.1, NM_001372068.1).
Identifiers: ClinVar variation 2691392 (VCV002691392.1), dbSNP rs767967565, ClinGen allele CA6370676.

ClinVar aggregate classification (germline): Uncertain significance (1 of 4 stars; one submission).

Allele frequency attached by ClinVar (database versions not stated): gnomAD exomes 0.00005; ExAC 0.00006.

Submission:

Women's Health and Genetics/Laboratory Corporation of America, LabCorp
Classification: Uncertain significance. Last evaluated: 2023-12-22. Review status: criteria provided, single submitter. Criteria: LabCorp Variant Classification Summary - May 2015. Collection method: clinical testing. Allele origin: germline.
Comment: Variant summary: NCAPD3 c.3867+5G>A alters a non-conserved nucleotide located close to a canonical splice site and therefore could affect mRNA splicing, leading to a significantly altered protein sequence. Several computational tools predict a significant impact on normal splicing: Three predict the variant weakens a 5' donor site. However, these predictions have yet to be confirmed by functional studies. The variant allele was found at a frequency of 0.00011 in 246312 control chromosomes. To our knowledge, no occurrence of c.3867+5G>A in individuals affected with Microcephaly 22, Primary, Autosomal Recessive and no experimental evidence demonstrating its impact on protein function have been reported. No submitters have cited clinical-significance assessments for this variant to ClinVar after 2014. Based on the evidence outlined above, the variant was classified as uncertain significance.